The following is an entry in ClinVar:

ClinVar aggregate classification (germline): Uncertain significance. Review status: criteria provided, multiple submitters, no conflicts (2 of 4 stars). 5 submissions from 5 submitters: Uncertain significance (5). Last evaluated 2026-06-01.

Conditions:
MARVELD2-related disorder. Also called: MARVELD2-related condition.
Autosomal recessive nonsyndromic hearing loss 49. Also called: Deafness, neurosensory, autosomal recessive 49. Identifiers: Orphanet 90636, MedGen C1857811, MONDO:0012420, OMIM 610153.

Allele frequency attached by ClinVar (database versions not stated): ESP Exome Variant Server 0.00008; gnomAD 0.00009 and 0.00012; TOPMed 0.00010; gnomAD exomes 0.00014 and 0.00017; ExAC 0.00015; 1000 Genomes Project 30x 0.00016; 1000 Genomes Project 0.00020.
gnomAD v4.1: 225 of 1,614,164 alleles (0.014%); highest among the groups gnomAD compares: South Asian, 0.04%; no homozygotes.

Submissions (5):

CeGaT Center for Human Genetics Tuebingen
Classification: Uncertain significance. Last evaluated: 2026-06-01. Review status: criteria provided, single submitter. Criteria: CeGaT Center For Human Genetics Tuebingen Variant Classification Criteria Version 2. Collection method: clinical testing. Allele origin: germline. Affected: yes. Observed: 1 variant allele.
Comment: MARVELD2: PM2

PreventionGenetics, part of Exact Sciences
Classification: Uncertain significance for MARVELD2-related condition. Last evaluated: 2025-11-24. Review status: criteria provided, single submitter. Criteria: ACMG Guidelines, 2015. Collection method: clinical testing. Allele origin: germline.
Comment: The MARVELD2 c.950G>A variant is predicted to result in the amino acid substitution p.Arg317Gln. This variant was reported in heterozygous state in five individuals with hearing loss and was assessed as variant of uncertain significance (Mašindová et al. 2015. PubMed ID: 25885414). This variant is reported in 0.036% of alleles in individuals of South Asian descent in gnomAD. At this time, the clinical significance of this variant is uncertain due to the absence of conclusive functional and genetic evidence.

Labcorp Genetics (formerly Invitae), Labcorp
Classification: Uncertain significance. Last evaluated: 2024-11-03. Review status: criteria provided, single submitter. Criteria: Invitae Variant Classification Sherloc (09022015). Collection method: clinical testing. Allele origin: germline.
Comment: This sequence change replaces arginine, which is basic and polar, with glutamine, which is neutral and polar, at codon 317 of the MARVELD2 protein (p.Arg317Gln). This variant is present in population databases (rs148416461, gnomAD 0.04%). This variant has not been reported in the literature in individuals affected with MARVELD2-related conditions. ClinVar contains an entry for this variant (Variation ID: 905496). Invitae Evidence Modeling of protein sequence and biophysical properties (such as structural, functional, and spatial information, amino acid conservation, physicochemical variation, residue mobility, and thermodynamic stability) has been performed for this missense variant. However, the output from this modeling did not meet the statistical confidence thresholds required to predict the impact of this variant on MARVELD2 protein function. In summary, the available evidence is currently insufficient to determine the role of this variant in disease. Therefore, it has been classified as a Variant of Uncertain Significance.

GeneDx
Classification: Uncertain significance. Last evaluated: 2024-09-04. Review status: criteria provided, single submitter. Criteria: GeneDx Variant Classification Process June 2021. Collection method: clinical testing. Allele origin: germline. Affected: yes.
Comment: Identified as heterozygous in several individuals with hearing loss, however, a second MARVELD2 variant was not identified (PMID: 25885414); In silico analysis indicates that this missense variant does not alter protein structure/function; This variant is associated with the following publications: (PMID: 25885414)

Illumina Laboratory Services, Illumina
Classification: Uncertain significance for Autosomal recessive nonsyndromic hearing loss 49. Last evaluated: 2017-04-27. Review status: criteria provided, single submitter. Criteria: ICSL Variant Classification Criteria 13 December 2019. Collection method: clinical testing. Allele origin: germline.

NM_001038603.3(MARVELD2):c.950G>A (p.Arg317Gln)

Gene: MARVELD2 (MARVEL domain containing 2; plus strand). Cytogenetic location: 5q13.2.
Variant type: single nucleotide variant.
Coding change: c.950G>A on transcript NM_001038603.3 (MANE Select); coding-DNA position 950, G replaced by A.
Protein change: p.Arg317Gln; replaces arginine 317 with glutamine.
Molecular consequence: missense variant.
Genome position (GRCh38, 1-based): chr5:69,420,335, G>A. VCF-style: chr5-69420335-G-A. GRCh37 (hg19) VCF-style: chr5-68716162-G-A.
Other names: c.950G>A, p.Arg317Gln (NM_001244734.2); short protein forms R317Q.
Identifiers: ClinVar variation 905496 (VCV000905496.16), dbSNP rs148416461, ClinGen allele CA3294146.